The following is an entry in ClinVar:

NM_206933.4(USH2A):c.7685T>C (p.Val2562Ala)

Gene: USH2A (usherin; minus strand). Cytogenetic location: 1q41.
Variant type: single nucleotide variant.
Coding change: c.7685T>C on transcript NM_206933.4 (MANE Select); coding-DNA position 7685, T replaced by C.
Protein change: p.Val2562Ala; replaces valine 2562 with alanine.
Molecular consequence: missense variant.
Genome position (GRCh38, 1-based): chr1:215,888,964, A>G on the plus strand (T>C on the coding strand, the complement: USH2A is on the minus strand). VCF-style: chr1-215888964-A-G. GRCh37 (hg19) VCF-style: chr1-216062306-A-G.
Other names: short protein forms V2562A.
Identifiers: ClinVar variation 48589 (VCV000048589.58), dbSNP rs56385601, ClinGen allele CA143607.
Genomic context (GRCh38, chr1:215,888,964, plus strand): 5'-ACATTTCCAGGAGTTCTCAAGTATAGACGGCCATGTAGATAAATGTTATAATGGGTAATA[A>G]CCCCATTGGATTTTCTAGGATGCTGCCAGGTGACCAACATCATTCTTGACTTCACATCCA-3'
Protein context (NP_996816.3, residues 2552-2572): TWQHPRKSNG[Val2562Ala]ITHYNIYLHG

ClinVar aggregate classification (germline): Benign/Likely benign. Review status: criteria provided, multiple submitters, no conflicts (2 of 4 stars). 15 submissions from 14 submitters: Benign (7); Likely benign (5). 3 of the submissions do not count toward it. Last evaluated 2026-04-01.

Conditions:
Usher syndrome type 2A. Also called: USHER SYNDROME, TYPE IIA; RETINAL DISEASE IN USHER SYNDROME TYPE IIA, MODIFIER OF. Identifiers: Orphanet 231178, Orphanet 886, MedGen C1848634, MONDO:0010169, OMIM 276901.
Retinitis pigmentosa 39 (RP39). Identifiers: Orphanet 791, MedGen C3151138, MONDO:0013436, OMIM 613809.

Allele frequency attached by ClinVar (database versions not stated): gnomAD 0.00586; TOPMed 0.00593; gnomAD exomes 0.00649 and 0.00780; ExAC 0.00652; ESP Exome Variant Server 0.00654; 1000 Genomes Project 30x 0.00468; 1000 Genomes Project 0.00479.
gnomAD v4.1: 12,210 of 1,614,060 alleles (0.76%); highest among the groups gnomAD compares: Non-Finnish European, 0.88%; 62 homozygotes.

Submissions (15):

CeGaT Center for Human Genetics Tuebingen
Classification: Likely benign. Last evaluated: 2026-04-01. Review status: criteria provided, single submitter. Criteria: CeGaT Center For Human Genetics Tuebingen Variant Classification Criteria Version 2. Collection method: clinical testing. Allele origin: germline. Affected: yes. Observed: 28 variant alleles.
Comment: USH2A: BP4, BS2

Labcorp Genetics (formerly Invitae), Labcorp
Classification: Benign. Last evaluated: 2026-02-04. Review status: criteria provided, single submitter. Criteria: Invitae Variant Classification Sherloc (09022015). Collection method: clinical testing. Allele origin: germline.

Genomic Medicine Center of Excellence, King Faisal Specialist Hospital and Research Centre
Classification: Likely benign. Last evaluated: 2025-08-18. Review status: criteria provided, single submitter. Criteria: ACMG Guidelines, 2015. Collection method: clinical testing. Allele origin: germline.

Blueprint Genetics
Classification: Likely benign. Last evaluated: 2024-11-26. Review status: criteria provided, single submitter. Criteria: ACMG Guidelines, 2015. Collection method: clinical testing. Allele origin: germline.

Genome-Nilou Lab
Classification: Likely benign for Retinitis pigmentosa 39. Last evaluated: 2023-11-04. Review status: criteria provided, single submitter. Criteria: ACMG Guidelines, 2015. Collection method: clinical testing. Allele origin: germline. Affected: no.

Genome-Nilou Lab
Classification: Likely benign for Usher syndrome type 2A. Last evaluated: 2023-11-04. Review status: criteria provided, single submitter. Criteria: ACMG Guidelines, 2015. Collection method: clinical testing. Allele origin: germline. Affected: no.

Women's Health and Genetics/Laboratory Corporation of America, LabCorp
Classification: Benign. Last evaluated: 2022-01-15. Review status: criteria provided, single submitter. Criteria: LabCorp Variant Classification Summary - May 2015. Collection method: clinical testing. Allele origin: germline.
Comment: Variant summary: USH2A c.7685T>C (p.Val2562Ala) results in a non-conservative amino acid change located in the Fibronectin type III domain (IPR003961) of the encoded protein sequence. Four of five in-silico tools predict a benign effect of the variant on protein function. The variant allele was found at a frequency of 0.0065 in 251140 control chromosomes, predominantly at a frequency of 0.0095 within the Non-Finnish European subpopulation in the gnomAD database, including 12 homozygotes. This frequency is close to that estimated for a pathogenic variant in USH2A causing Usher Syndrome (0.0065 vs 0.011), supporting a neutral outcome. Although reported frequently in the literature, to our knowledge, no occurrence of c.7685T>C in individuals affected with Usher Syndrome and no experimental evidence demonstrating its impact on protein function have been reported. At-least one report listed this variant along with two other pathogenic alleles in an individual with Usher syndrome, supporting a benign outcome (example, Hagag_2020). Five clinical diagnostic laboratories have submitted clinical-significance assessments for this variant to ClinVar after 2014 without evidence for independent evaluation. All laboratories classified the variant as benign. Based on the evidence outlined above, the variant was classified as benign.

Athena Diagnostics
Classification: Benign. Last evaluated: 2019-09-30. Review status: criteria provided, single submitter. Criteria: Athena Diagnostics Criteria. Collection method: clinical testing. Allele origin: unknown.

GeneDx
Classification: Benign. Last evaluated: 2019-01-16. Review status: criteria provided, single submitter. Criteria: GeneDx Variant Classification Process June 2021. Collection method: clinical testing. Allele origin: germline. Affected: yes.
Comment: This variant is associated with the following publications: (PMID: 31266775, 19683999, 23484092, 18273898, 20052763, 22681893, 26927203, 22004887)

Eurofins Ntd Llc (ga)
Classification: Benign. Last evaluated: 2015-02-05. Review status: criteria provided, single submitter. Criteria: EGL Classification Definitions 2015. Collection method: clinical testing. Allele origin: germline. Observed: 3 variant alleles, 3 heterozygotes.

Laboratory for Molecular Medicine, Mass General Brigham Personalized Medicine
Classification: Benign. Last evaluated: 2011-01-17. Review status: criteria provided, single submitter. Criteria: LMM Criteria. Collection method: clinical testing. Allele origin: germline. Observed: 34 variant alleles.
Comment: Val2562Ala in exon 41 of USH2A: This variant has been reported in nine individua ls with a clinical diagnosis of Usher Syndrome types 1, 2 or 3 (Dreyer 2008, Jai jo 2009). However, several of these individuals already had other explanations f or their Usher syndrome (Jaijo 2009). In addition, this amino acid is not highly conserved acroos evolution, with the mouse and rat having an alanine at positio n 2562. In addition, this variant is listed in dbSNP (rs56385601 - no frequency data available) and has been identified in 6/278 (2.2%) probands tested by our l aboratory, none of whom had a variant on their second USH2A allele. In summary, this variant meets our criteria to be classified as benign.

Breakthrough Genomics
Classification: Benign. Review status: criteria provided, single submitter. Criteria: ACMG Guidelines, 2015. Collection method: not provided. Allele origin: germline. Inheritance: Autosomal recessive inheritance. Affected: yes.

Natera, Inc.
Classification: Benign for Usher syndrome type 2A. Last evaluated: 2019-12-23. Review status: no assertion criteria provided. Collection method: clinical testing. Allele origin: germline. Not counted in ClinVar's aggregate classification.

Clinical Genetics DNA and cytogenetics Diagnostics Lab, Erasmus MC, Erasmus Medical Center
Classification: Likely benign. Review status: no assertion criteria provided. Collection method: clinical testing. Allele origin: germline. Affected: yes. Study: VKGL Data-share Consensus. Not counted in ClinVar's aggregate classification.

Joint Genome Diagnostic Labs from Nijmegen and Maastricht, Radboudumc and MUMC+
Classification: Likely benign. Review status: no assertion criteria provided. Collection method: clinical testing. Allele origin: germline. Affected: yes. Study: VKGL Data-share Consensus. Not counted in ClinVar's aggregate classification.

Literature cited by the submitters: PubMed 31266775 (cited by Women's Health and Genetics/Laboratory Corporation of America, LabCorp); PubMed 19683999 (cited by Athena Diagnostics and Laboratory for Molecular Medicine, Mass General Brigham Personalized Medicine); PubMed 18273898 (cited by Athena Diagnostics and Laboratory for Molecular Medicine, Mass General Brigham Personalized Medicine); PubMed 20052763 (cited by Athena Diagnostics and Laboratory for Molecular Medicine, Mass General Brigham Personalized Medicine).